The following is an entry in ClinVar:

ClinVar aggregate classification (germline): Uncertain significance (1 of 4 stars; one submission).

Allele frequency attached by ClinVar (database versions not stated): gnomAD exomes 0.00002 and 0.00003; TOPMed 0.00002; ExAC 0.00003; ESP Exome Variant Server 0.00008.
gnomAD v4.1: 25 of 1,614,188 alleles (0.0015%); highest among the groups gnomAD compares: Non-Finnish European, 0.0021%; no homozygotes.

Submission:

Labcorp Genetics (formerly Invitae), Labcorp
Classification: Uncertain significance. Last evaluated: 2024-05-12. Review status: criteria provided, single submitter. Criteria: Invitae Variant Classification Sherloc (09022015). Collection method: clinical testing. Allele origin: germline.
Comment: This sequence change replaces histidine, which is basic and polar, with glutamine, which is neutral and polar, at codon 45 of the VCAN protein (p.His45Gln). This variant is present in population databases (rs369760896, gnomAD 0.007%). This variant has not been reported in the literature in individuals affected with VCAN-related conditions. ClinVar contains an entry for this variant (Variation ID: 1467841). Algorithms developed to predict the effect of missense changes on protein structure and function output the following: SIFT: "Not Available"; PolyPhen-2: "Benign"; Align-GVGD: "Not Available". The glutamine amino acid residue is found in multiple mammalian species, which suggests that this missense change does not adversely affect protein function. In summary, the available evidence is currently insufficient to determine the role of this variant in disease. Therefore, it has been classified as a Variant of Uncertain Significance.

NM_004385.5(VCAN):c.135T>A (p.His45Gln)

Gene: VCAN (versican; plus strand). Cytogenetic location: 5q14.2.
Variant type: single nucleotide variant.
Coding change: c.135T>A on transcript NM_004385.5 (MANE Select); coding-DNA position 135, T replaced by A.
Protein change: p.His45Gln; replaces histidine 45 with glutamine.
Molecular consequence: missense variant.
Genome position (GRCh38, 1-based): chr5:83,490,162, T>A. VCF-style: chr5-83490162-T-A. GRCh37 (hg19) VCF-style: chr5-82785981-T-A.
Other names: c.135T>A, p.His45Gln (NM_001126336.3, NM_001164097.2, NM_001164098.2); short protein forms H45Q.
Identifiers: ClinVar variation 1467841 (VCV001467841.8), dbSNP rs369760896, ClinGen allele CA3332399.